The following is an entry in ClinVar:

ClinVar aggregate classification (germline): Conflicting classifications of pathogenicity. Review status: criteria provided, conflicting classifications (1 of 4 stars). 2 submissions from 2 submitters: Uncertain significance (1); Benign (1). Last evaluated 2026-01-26.

Conditions:
Primary ciliary dyskinesia. Also called: Ciliary dyskinesia. Identifiers: Orphanet 244, MedGen C0008780, MONDO:0016575, HP:0012265.

Allele frequency attached by ClinVar (database versions not stated): gnomAD exomes 0.00001 and 0.00005; ExAC 0.00002; TOPMed 0.00003; gnomAD 0.00005; ESP Exome Variant Server 0.00008.
gnomAD v4.1: 79 of 1,609,328 alleles (0.0049%); highest among the groups gnomAD compares: Non-Finnish European, 0.006%; no homozygotes.

Submissions (2):

Labcorp Genetics (formerly Invitae), Labcorp
Classification: Benign for Primary ciliary dyskinesia. Last evaluated: 2026-01-26. Review status: criteria provided, single submitter. Criteria: Invitae Variant Classification Sherloc (09022015). Collection method: clinical testing. Allele origin: germline.

Ambry Genetics
Classification: Uncertain significance for Primary ciliary dyskinesia. Last evaluated: 2024-05-12. Review status: criteria provided, single submitter. Criteria: Ambry Variant Classification Scheme 2023. Collection method: clinical testing. Allele origin: germline.
Comment: The p.S684C variant (also known as c.2050A>T), located in coding exon 12 of the DNAH11 gene, results from an A to T substitution at nucleotide position 2050. The serine at codon 684 is replaced by cysteine, an amino acid with dissimilar properties. This amino acid position is conserved. In addition, this alteration is predicted to be tolerated by in silico analysis. Based on the available evidence, the clinical significance of this variant remains unclear.

NM_001277115.2(DNAH11):c.2050A>T (p.Ser684Cys)

Gene: DNAH11 (dynein axonemal heavy chain 11; plus strand). Cytogenetic location: 7p15.3.
Variant type: single nucleotide variant.
Coding change: c.2050A>T on transcript NM_001277115.2 (MANE Select); coding-DNA position 2050, A replaced by T.
Protein change: p.Ser684Cys; replaces serine 684 with cysteine.
Molecular consequence: missense variant.
Genome position (GRCh38, 1-based): chr7:21,589,284, A>T. VCF-style: chr7-21589284-A-T. GRCh37 (hg19) VCF-style: chr7-21628902-A-T.
Other names: short protein forms S684C.
Identifiers: ClinVar variation 359609 (VCV000359609.13), dbSNP rs367670668, ClinGen allele CA4179203.